The following is an entry in ClinVar:

ClinVar aggregate classification (germline): Benign. Review status: criteria provided, multiple submitters, no conflicts (2 of 4 stars). 4 submissions from 4 submitters: Benign (4). Last evaluated 2026-02-04.

Allele frequency attached by ClinVar (database versions not stated): gnomAD exomes 0.00078 and 0.00203; ExAC 0.00277; 1000 Genomes Project 30x 0.00734; gnomAD 0.00762 and 0.00820; 1000 Genomes Project 0.00779; TOPMed 0.00874; ESP Exome Variant Server 0.00984.
gnomAD v4.1: 2,328 of 1,613,950 alleles (0.14%); highest among the groups gnomAD compares: African/African-American, 2.7%; 31 homozygotes.

Submissions (4):

Labcorp Genetics (formerly Invitae), Labcorp
Classification: Benign. Last evaluated: 2026-02-04. Review status: criteria provided, single submitter. Criteria: Invitae Variant Classification Sherloc (09022015). Collection method: clinical testing. Allele origin: germline.

Mayo Clinic Laboratories, Mayo Clinic
Classification: Benign. Last evaluated: 2024-01-23. Review status: criteria provided, single submitter. Criteria: ACMG Guidelines, 2015. Collection method: clinical testing. Allele origin: germline. Observed: 3 variant alleles.
Comment: BS1, BS2, BP4, BP7

Genetic Services Laboratory, University of Chicago
Classification: Benign. Last evaluated: 2017-07-10. Review status: criteria provided, single submitter. Criteria: ACMG Guidelines, 2015. Collection method: clinical testing. Allele origin: germline. Affected: no.

Breakthrough Genomics
Classification: Benign. Review status: criteria provided, single submitter. Criteria: ACMG Guidelines, 2015. Collection method: not provided. Allele origin: germline. Inheritance: Autosomal dominant inheritance. Affected: yes.

NM_001130004.2(ACTN1):c.672C>T (p.Ala224=)

Gene: ACTN1 (actinin alpha 1; minus strand). Cytogenetic location: 14q24.1.
Variant type: single nucleotide variant.
Coding change: c.672C>T on transcript NM_001130004.2 (MANE Select); coding-DNA position 672, C replaced by T.
Protein change: p.Ala224=; no amino-acid change (alanine 224 retained).
Molecular consequence: synonymous variant.
Genome position (GRCh38, 1-based): chr14:68,904,659, G>A on the plus strand (C>T on the coding strand, the complement: ACTN1 is on the minus strand). VCF-style: chr14-68904659-G-A. GRCh37 (hg19) VCF-style: chr14-69371376-G-A.
Other names: p.Ala224=; c.672C>T, p.Ala224= (NM_001102.4, NM_001130005.2).
Identifiers: ClinVar variation 789813 (VCV000789813.14), dbSNP rs73284984, ClinGen allele CA7242624.